The following is an entry in ClinVar:

ClinVar aggregate classification (germline): Benign/Likely benign. Review status: criteria provided, multiple submitters, no conflicts (2 of 4 stars). 4 submissions from 4 submitters: Benign (1); Likely benign (3). Last evaluated 2025-11-24.

Conditions:
Hereditary nonpolyposis colorectal neoplasms. Identifiers: MedGen C0009405, MeSH D003123.
Hereditary cancer-predisposing syndrome. Also called: Neoplastic Syndromes, Hereditary; Tumor predisposition; Hereditary neoplastic syndrome; Hereditary Cancer Syndrome. Identifiers: Orphanet 140162, MedGen C0027672, MeSH D009386, MONDO:0015356.
Lynch syndrome 5 (LYNCH5). Also called: Hereditary non-polyposis colorectal cancer, type 5; Colorectal cancer, hereditary nonpolyposis, type 5. Identifiers: Orphanet 144, MedGen C1833477, MONDO:0013710, OMIM 614350. Disease mechanism: loss of function.

Submissions (4):

Labcorp Genetics (formerly Invitae), Labcorp
Classification: Likely benign for Hereditary nonpolyposis colorectal neoplasms. Last evaluated: 2025-11-24. Review status: criteria provided, single submitter. Criteria: Invitae Variant Classification Sherloc (09022015). Collection method: clinical testing. Allele origin: germline.

CeGaT Center for Human Genetics Tuebingen
Classification: Likely benign. Last evaluated: 2025-03-01. Review status: criteria provided, single submitter. Criteria: CeGaT Center For Human Genetics Tuebingen Variant Classification Criteria Version 2. Collection method: clinical testing. Allele origin: germline. Affected: yes. Observed: 1 variant allele.
Comment: MSH6: PM2:Supporting, BP4, BP7

Myriad Genetics, Inc.
Classification: Benign for Lynch syndrome 5. Last evaluated: 2025-01-08. Review status: criteria provided, single submitter. Criteria: Myriad Autosomal Dominant, Autosomal Recessive and X-Linked Classification Criteria (2023). Collection method: clinical testing. Allele origin: unknown.
Comment: This variant is considered benign. This variant is a silent/synonymous amino acid change and it is not expected to impact splicing.

Ambry Genetics
Classification: Likely benign for Hereditary cancer-predisposing syndrome. Last evaluated: 2020-01-30. Review status: criteria provided, single submitter. Criteria: Ambry Variant Classification Scheme 2023. Collection method: clinical testing. Allele origin: germline.

NM_000179.3(MSH6):c.3837C>T (p.Ser1279=)

Gene: MSH6 (mutS homolog 6; plus strand). Cytogenetic location: 2p16.3.
Variant type: single nucleotide variant.
Coding change: c.3837C>T on transcript NM_000179.3 (MANE Select); coding-DNA position 3837, C replaced by T.
Protein change: p.Ser1279=; no amino-acid change (serine 1279 retained).
Molecular consequence: synonymous variant.
Genome position (GRCh38, 1-based): chr2:47,806,487, C>T. VCF-style: chr2-47806487-C-T. GRCh37 (hg19) VCF-style: chr2-48033626-C-T.
Other names: c.3447C>T, p.Ser1149= (NM_001281492.2); c.2931C>T, p.Ser977= (NM_001281493.2, NM_001281494.2).
Identifiers: ClinVar variation 1114096 (VCV001114096.19), dbSNP rs876661245, ClinGen allele CA426122116.